The following is an entry in ClinVar:

ClinVar aggregate classification (germline): Likely pathogenic. Review status: reviewed by expert panel (3 of 4 stars). 3 submissions from 3 submitters: Likely pathogenic (1). 2 of the submissions do not count toward it. Last evaluated 2025-03-10.

Conditions:
Alpha-actinopathy. Also called: Actinopathy. Identifiers: MedGen CN295279, MONDO:0100084.
Actin accumulation myopathy (CMYO2A). Also called: CONGENITAL MYOPATHY 2A, TYPICAL, AUTOSOMAL DOMINANT; Nemaline myopathy type 3; Myopathy, actin, congenital, with excess of thin myofilaments; Myopathy, actin, congenital, with cores; Nemaline myopathy 3, with intranuclear rods. Identifiers: Orphanet 98904, MedGen C3711389, MONDO:0008070, OMIM 161800.

Submissions (3):

ClinGen Congenital Myopathies Variant Curation Expert Panel, ClinGen
Classification: Likely pathogenic for Alpha-actinopathy. Last evaluated: 2025-03-10. Review status: reviewed by expert panel. Criteria: ClinGen CongenMyopathy ACMG Specifications ACTA1_AD_ V2.0.0. Collection method: curation. Allele origin: germline. Inheritance: Autosomal dominant inheritance.
Comment: The variant NM_001100.4:c.442G>C in ACTA1 is a missense variant predicted to cause substitution of glycine by arginine at amino acid 148 (p.Gly148Arg). The variant is absent from gnomAD v4.1.0 (PM2_Supporting). The REVEL computational prediction analysis tool produced a score of 0.979, which is above the threshold necessary to apply PP3. ACTA1, in which the variant was identified, is defined by the ClinGen Congenital Myopathies VCEP as a gene that has a low rate of benign missense variation and where pathogenic missense variants are a common mechanism of disease (PP2). Two different missense variants, p.Gly148Ser and p.Gly148Val (Variation IDs: 1364817 and 2582809), in the same codon have been classified as likely pathogenic for alpha-actinopathy by the ClinGen Congenital Myopathies VCEP (PM5 applied to p.Gly148Val). This variant has been reported in 2 probands with alpha-actinopathy, and one of these probands had a de novo occurrence of the variant with parental relationships confirmed (PS4_Supporting, PS2; PMID: 33820833. SCV000330673.6). In summary, this variant meets the criteria to be classified as likely pathogenic for AD alpha-actinopathy. ACMG/AMP criteria met, as specified by the Congenital Myopathies VCEP (Specification Version 2.0.0): PM2_Supporting, PP3, PP2, PS4_Supporting, PS2 (ClinGen Congenital Myopathies VCEP specifications version 2.0.0; 3/10/2025).

GeneDx
Classification: Pathogenic. Last evaluated: 2025-12-15. Review status: criteria provided, single submitter. Criteria: GeneDx Variant Classification Process June 2021. Collection method: clinical testing. Allele origin: germline. Affected: yes. Not counted in ClinVar's aggregate classification.
Comment: Not observed at significant frequency in large population cohorts (gnomAD); Missense variants in this gene are a common cause of disease and they are underrepresented in the general population; In silico analysis supports that this missense variant has a deleterious effect on protein structure/function; Observed heterozygous in three fetuses with ventricular septal defect; testing suggested paternal germline mosaicism (PMID: 33820833); This variant is associated with the following publications: (PMID: 19562689, 33820833)

Labcorp Genetics (formerly Invitae), Labcorp
Classification: Uncertain significance for Actin accumulation myopathy. Last evaluated: 2022-07-06. Review status: criteria provided, single submitter. Criteria: Invitae Variant Classification Sherloc (09022015). Collection method: clinical testing. Allele origin: germline. Not counted in ClinVar's aggregate classification.
Comment: In summary, the available evidence is currently insufficient to determine the role of this variant in disease. Therefore, it has been classified as a Variant of Uncertain Significance. This variant disrupts the p.Gly148 amino acid residue in ACTA1. Other variant(s) that disrupt this residue have been observed in individuals with ACTA1-related conditions (PMID: 12921789, 15236405, 19562689), which suggests that this may be a clinically significant amino acid residue. Advanced modeling of protein sequence and biophysical properties (such as structural, functional, and spatial information, amino acid conservation, physicochemical variation, residue mobility, and thermodynamic stability) performed at Invitae indicates that this missense variant is expected to disrupt ACTA1 protein function. ClinVar contains an entry for this variant (Variation ID: 280732). This variant has not been reported in the literature in individuals affected with ACTA1-related conditions. This variant is not present in population databases (gnomAD no frequency). This sequence change replaces glycine, which is neutral and non-polar, with arginine, which is basic and polar, at codon 148 of the ACTA1 protein (p.Gly148Arg).

Literature cited by the submitters: PubMed 12921789 (cited by Labcorp Genetics (formerly Invitae), Labcorp); PubMed 15236405 (cited by Labcorp Genetics (formerly Invitae), Labcorp); PubMed 19562689 (cited by Labcorp Genetics (formerly Invitae), Labcorp).

NM_001100.4(ACTA1):c.442G>C (p.Gly148Arg)

Gene: ACTA1 (actin alpha 1, skeletal muscle; minus strand). Cytogenetic location: 1q42.13.
Variant type: single nucleotide variant.
Coding change: c.442G>C on transcript NM_001100.4 (MANE Select); coding-DNA position 442, G replaced by C.
Protein change: p.Gly148Arg; replaces glycine 148 with arginine.
Molecular consequence: missense variant.
Genome position (GRCh38, 1-based): chr1:229,432,568, C>G on the plus strand (G>C on the coding strand, the complement: ACTA1 is on the minus strand). VCF-style: chr1-229432568-C-G. GRCh37 (hg19) VCF-style: chr1-229568315-C-G.
Other names: NM_001100.4(ACTA1):c.442G>C; p.Gly148Arg; short protein forms G148R.
Identifiers: ClinVar variation 280732 (VCV000280732.13), dbSNP rs398123563, ClinGen allele CA10602749.